The following is an entry in ClinVar:

ClinVar aggregate classification (germline): Uncertain significance (1 of 4 stars; one submission).

Allele frequency attached by ClinVar (database versions not stated): gnomAD 0.00001; gnomAD exomes 0.00001; TOPMed 0.00001.
gnomAD v4.1: 22 of 1,613,964 alleles (0.0014%); highest among the groups gnomAD compares: Non-Finnish European, 0.0017%; no homozygotes.

Submission:

Labcorp Genetics (formerly Invitae), Labcorp
Classification: Uncertain significance. Last evaluated: 2022-08-06. Review status: criteria provided, single submitter. Criteria: Invitae Variant Classification Sherloc (09022015). Collection method: clinical testing. Allele origin: germline.
Comment: This sequence change replaces isoleucine, which is neutral and non-polar, with threonine, which is neutral and polar, at codon 118 of the PHYH protein (p.Ile118Thr). This variant is not present in population databases (gnomAD no frequency). This variant has not been reported in the literature in individuals affected with PHYH-related conditions. ClinVar contains an entry for this variant (Variation ID: 1009708). Algorithms developed to predict the effect of missense changes on protein structure and function output the following: SIFT: "Tolerated"; PolyPhen-2: "Possibly Damaging"; Align-GVGD: "Class C0". The threonine amino acid residue is found in multiple mammalian species, which suggests that this missense change does not adversely affect protein function. In summary, the available evidence is currently insufficient to determine the role of this variant in disease. Therefore, it has been classified as a Variant of Uncertain Significance.

NM_006214.4(PHYH):c.353T>C (p.Ile118Thr)

Gene: PHYH (phytanoyl-CoA 2-hydroxylase; minus strand). Cytogenetic location: 10p13.
Variant type: single nucleotide variant.
Coding change: c.353T>C on transcript NM_006214.4 (MANE Select); coding-DNA position 353, T replaced by C.
Protein change: p.Ile118Thr; replaces isoleucine 118 with threonine.
Molecular consequence: missense variant.
Genome position (GRCh38, 1-based): chr10:13,294,489, A>G on the plus strand (T>C on the coding strand, the complement: PHYH is on the minus strand). VCF-style: chr10-13294489-A-G. GRCh37 (hg19) VCF-style: chr10-13336489-A-G.
Other names: c.53T>C, p.Ile18Thr (NM_001037537.2, NM_001323080.2, NM_001323084.2); c.353T>C, p.Ile118Thr (NM_001323082.2, NM_001323083.2); short protein forms I118T, I18T.
Identifiers: ClinVar variation 1009708 (VCV001009708.6), dbSNP rs1032242814, ClinGen allele CA203283013.